The following is an entry in ClinVar:

ClinVar aggregate classification (germline): Uncertain significance (1 of 4 stars; one submission).

gnomAD v4.1: 5 of 1,613,836 alleles (0.00031%); highest among the groups gnomAD compares: African/African-American, 0.0067%; no homozygotes.

Submission:

Labcorp Genetics (formerly Invitae), Labcorp
Classification: Uncertain significance. Last evaluated: 2025-06-11. Review status: criteria provided, single submitter. Criteria: Invitae Variant Classification Sherloc (09022015). Collection method: clinical testing. Allele origin: germline.
Comment: This sequence change replaces isoleucine, which is neutral and non-polar, with phenylalanine, which is neutral and non-polar, at codon 308 of the COL7A1 protein (p.Ile308Phe). This variant is not present in population databases (gnomAD no frequency). This variant has not been reported in the literature in individuals affected with COL7A1-related conditions. Invitae Evidence Modeling of protein sequence and biophysical properties (such as structural, functional, and spatial information, amino acid conservation, physicochemical variation, residue mobility, and thermodynamic stability) indicates that this missense variant is not expected to disrupt COL7A1 protein function with a negative predictive value of 95%. In summary, the available evidence is currently insufficient to determine the role of this variant in disease. Therefore, it has been classified as a Variant of Uncertain Significance.

NM_000094.4(COL7A1):c.922A>T (p.Ile308Phe)

Gene: COL7A1 (collagen type VII alpha 1 chain; minus strand). Cytogenetic location: 3p21.31.
Variant type: single nucleotide variant.
Coding change: c.922A>T on transcript NM_000094.4 (MANE Select); coding-DNA position 922, A replaced by T.
Protein change: p.Ile308Phe; replaces isoleucine 308 with phenylalanine.
Molecular consequence: missense variant.
Genome position (GRCh38, 1-based): chr3:48,592,624, T>A on the plus strand (A>T on the coding strand, the complement: COL7A1 is on the minus strand). VCF-style: chr3-48592624-T-A. GRCh37 (hg19) VCF-style: chr3-48630057-T-A.
Other names: short protein forms I308F.
Identifiers: ClinVar variation 4781469 (VCV004781469.1).